The following is an entry in ClinVar:

ClinVar aggregate classification (germline): Pathogenic (1 of 4 stars; one submission).

Conditions:
Duchenne muscular dystrophy (DMD). Also called: MUSCULAR DYSTROPHY, PSEUDOHYPERTROPHIC PROGRESSIVE, DUCHENNE TYPE; Duchenne Muscular Dystrophy (DMD). Identifiers: Orphanet 98896, MedGen C0013264, MONDO:0010679, OMIM 310200.

Submission:

Labcorp Genetics (formerly Invitae), Labcorp
Classification: Pathogenic for Duchenne muscular dystrophy. Last evaluated: 2022-03-18. Review status: criteria provided, single submitter. Criteria: Invitae Variant Classification Sherloc (09022015). Collection method: clinical testing. Allele origin: germline.
Comment: ClinVar contains an entry for this variant (Variation ID: 656754). Algorithms developed to predict the effect of sequence changes on RNA splicing suggest that this variant may disrupt the consensus splice site. For these reasons, this variant has been classified as Pathogenic. Disruption of this splice site has been observed in individuals with Duchenne muscular dystrophy (PMID: 8281150, 20485447, 23536893). This sequence change affects a donor splice site in intron 65 of the DMD gene. It is expected to disrupt RNA splicing. Variants that disrupt the donor or acceptor splice site typically lead to a loss of protein function (PMID: 16199547), and loss-of-function variants in DMD are known to be pathogenic (PMID: 16770791, 25007885). This variant is not present in population databases (gnomAD no frequency).

Literature cited by the submitters: PubMed 8281150; PubMed 20485447; PubMed 23536893; PubMed 16199547; PubMed 16770791; PubMed 25007885.

NM_004006.3(DMD):c.9563+2T>A

Gene: DMD (dystrophin; minus strand). Cytogenetic location: Xp21.2.
Variant type: single nucleotide variant.
Coding change: c.9563+2T>A on transcript NM_004006.3 (MANE Select); the canonical splice donor site of the intron after coding-DNA position 9563, T replaced by A.
Molecular consequence: splice donor variant.
Genome position (GRCh38, 1-based): chrX:31,209,496, A>T on the plus strand (T>A on the coding strand, the complement: DMD is on the minus strand). VCF-style: chrX-31209496-A-T. GRCh37 (hg19) VCF-style: chrX-31227613-A-T.
Other names: c.9539+2T>A (NM_000109.4); c.5540+2T>A (NM_004011.4); c.5531+2T>A (NM_004012.4); c.2183+2T>A (NM_004023.3, NM_004020.4, NM_004022.3 and 2 more transcripts); c.1376+2T>A (NM_004014.3); c.359+2T>A (NM_004018.3, NM_004017.3, NM_004016.3 and 2 more transcripts); c.9551+2T>A (NM_004009.3); c.9194+2T>A (NM_004010.3).
Identifiers: ClinVar variation 656754 (VCV000656754.9), dbSNP rs1602727611, ClinGen allele CA412649711.